The following is an entry in ClinVar:

NM_001286611.2(REPS1):c.1511C>G (p.Ala504Gly)

Gene: REPS1 (RALBP1 associated Eps domain containing 1; minus strand). Cytogenetic location: 6q24.1.
Variant type: single nucleotide variant.
Coding change: c.1511C>G on transcript NM_001286611.2 (MANE Select); coding-DNA position 1511, C replaced by G.
Protein change: p.Ala504Gly; replaces alanine 504 with glycine.
Molecular consequence: missense variant.
Genome position (GRCh38, 1-based): chr6:138,920,232, G>C on the plus strand (C>G on the coding strand, the complement: REPS1 is on the minus strand). VCF-style: chr6-138920232-G-C. GRCh37 (hg19) VCF-style: chr6-139241369-G-C.
Other names: c.1430C>G, p.Ala477Gly (NM_001128617.3, NM_001286612.2); c.1511C>G, p.Ala504Gly (NM_031922.5); short protein forms A477G, A504G.
Identifiers: ClinVar variation 2729040 (VCV002729040.3), dbSNP rs915212107, ClinGen allele CA148314374.

ClinVar aggregate classification (germline): Uncertain significance (1 of 4 stars; one submission).

Allele frequency attached by ClinVar (database versions not stated): TOPMed below 0.00001; gnomAD exomes 0.00001.
gnomAD v4.1: 12 of 1,573,412 alleles (0.00076%); highest among the groups gnomAD compares: Non-Finnish European, 0.001%; no homozygotes.

Submission:

Labcorp Genetics (formerly Invitae), Labcorp
Classification: Uncertain significance. Last evaluated: 2023-08-29. Review status: criteria provided, single submitter. Criteria: Invitae Variant Classification Sherloc (09022015). Collection method: clinical testing. Allele origin: germline.
Comment: Advanced modeling of protein sequence and biophysical properties (such as structural, functional, and spatial information, amino acid conservation, physicochemical variation, residue mobility, and thermodynamic stability) performed at Invitae indicates that this missense variant is not expected to disrupt REPS1 protein function. In summary, the available evidence is currently insufficient to determine the role of this variant in disease. Therefore, it has been classified as a Variant of Uncertain Significance. This variant has not been reported in the literature in individuals affected with REPS1-related conditions. This variant is present in population databases (no rsID available, gnomAD 0.0009%). This sequence change replaces alanine, which is neutral and non-polar, with glycine, which is neutral and non-polar, at codon 504 of the REPS1 protein (p.Ala504Gly).